The following is an entry in ClinVar:

ClinVar aggregate classification (germline): Uncertain significance (1 of 4 stars; one submission).

Conditions:
Hereditary nonpolyposis colorectal neoplasms. Identifiers: MedGen C0009405, MeSH D003123.

Submission:

Labcorp Genetics (formerly Invitae), Labcorp
Classification: Uncertain significance for Hereditary nonpolyposis colorectal neoplasms. Last evaluated: 2018-10-06. Review status: criteria provided, single submitter. Criteria: Invitae Variant Classification Sherloc (09022015). Collection method: clinical testing. Allele origin: germline.
Comment: This variant has not been reported in the literature in individuals with MSH6-related disease. This sequence change replaces arginine with tryptophan at codon 385 of the MSH6 protein (p.Arg385Trp). The arginine residue is weakly conserved and there is a moderate physicochemical difference between arginine and tryptophan. This variant is not present in population databases (ExAC no frequency). Algorithms developed to predict the effect of missense changes on protein structure and function are either unavailable or do not agree on the potential impact of this missense change (SIFT: "Deleterious"; PolyPhen-2: "Possibly Damaging"; Align-GVGD: "Class C0"). Algorithms developed to predict the effect of sequence changes on RNA splicing suggest that this variant may create or strengthen a splice site, but this prediction has not been confirmed by published transcriptional studies. In summary, the available evidence is currently insufficient to determine the role of this variant in disease. Therefore, it has been classified as a Variant of Uncertain Significance.

NM_000179.3(MSH6):c.1153A>T (p.Arg385Trp)

Gene: MSH6 (mutS homolog 6; plus strand). Cytogenetic location: 2p16.3.
Variant type: single nucleotide variant.
Coding change: c.1153A>T on transcript NM_000179.3 (MANE Select); coding-DNA position 1153, A replaced by T.
Protein change: p.Arg385Trp; replaces arginine 385 with tryptophan.
Molecular consequence: missense variant.
Genome position (GRCh38, 1-based): chr2:47,799,136, A>T. VCF-style: chr2-47799136-A-T. GRCh37 (hg19) VCF-style: chr2-48026275-A-T.
Other names: c.763A>T, p.Arg255Trp (NM_001281492.2); c.247A>T, p.Arg83Trp (NM_001281493.2, NM_001281494.2); short protein forms R83W, R385W, R255W.
Identifiers: ClinVar variation 651383 (VCV000651383.9), dbSNP rs781652274, ClinGen allele CA46707495.